The following is an entry in ClinVar:

NM_018089.3(ANKZF1):c.715C>T (p.Arg239Trp)

Gene: ANKZF1 (ankyrin repeat and zinc finger peptidyl tRNA hydrolase 1; plus strand). Cytogenetic location: 2q35.
Variant type: single nucleotide variant.
Coding change: c.715C>T on transcript NM_018089.3 (MANE Select); coding-DNA position 715, C replaced by T.
Protein change: p.Arg239Trp; replaces arginine 239 with tryptophan.
Molecular consequence: missense variant.
Genome position (GRCh38, 1-based): chr2:219,233,329, C>T. VCF-style: chr2-219233329-C-T. GRCh37 (hg19) VCF-style: chr2-220098051-C-T.
Other names: c.715C>T, p.Arg239Trp (NM_001042410.2); c.85C>T, p.Arg29Trp (NM_001282792.2); c.715C>T (NM_018089.2); short protein forms R29W, R239W.
Identifiers: ClinVar variation 1467302 (VCV001467302.7), dbSNP rs750431702, ClinGen allele CA2120844.

ClinVar aggregate classification (germline): Uncertain significance. Review status: criteria provided, multiple submitters, no conflicts (2 of 4 stars). 2 submissions from 2 submitters: Uncertain significance (2). Last evaluated 2025-01-13.

Allele frequency attached by ClinVar (database versions not stated): ExAC 0.00001.
gnomAD v4.1: 11 of 1,614,242 alleles (0.00068%); highest among the groups gnomAD compares: South Asian, 0.0011%; no homozygotes.

Submissions (2):

Labcorp Genetics (formerly Invitae), Labcorp
Classification: Uncertain significance. Last evaluated: 2025-01-13. Review status: criteria provided, single submitter. Criteria: Invitae Variant Classification Sherloc (09022015). Collection method: clinical testing. Allele origin: germline.
Comment: This sequence change replaces arginine, which is basic and polar, with tryptophan, which is neutral and slightly polar, at codon 239 of the ANKZF1 protein (p.Arg239Trp). This variant is present in population databases (rs750431702, gnomAD 0.002%). This variant has not been reported in the literature in individuals affected with ANKZF1-related conditions. ClinVar contains an entry for this variant (Variation ID: 1467302). An algorithm developed to predict the effect of missense changes on protein structure and function (PolyPhen-2) suggests that this variant is likely to be disruptive. In summary, the available evidence is currently insufficient to determine the role of this variant in disease. Therefore, it has been classified as a Variant of Uncertain Significance.

Ambry Genetics
Classification: Uncertain significance. Last evaluated: 2024-03-15. Review status: criteria provided, single submitter. Criteria: Ambry Variant Classification Scheme 2023. Collection method: clinical testing. Allele origin: germline.